The following is an entry in ClinVar:

ClinVar aggregate classification (germline): Conflicting classifications of pathogenicity. Review status: criteria provided, conflicting classifications (1 of 4 stars). 3 submissions from 3 submitters: Uncertain significance (1); Likely benign (1). 1 of the submissions does not count toward it. Last evaluated 2026-01-26.

Conditions:
XYLT2-related disorder. Also called: XYLT2-related condition.
Inborn genetic diseases. Identifiers: MedGen C0950123, MeSH D030342.

Allele frequency attached by ClinVar (database versions not stated): ExAC 0.00029; TOPMed 0.00021; gnomAD 0.00007; gnomAD exomes 0.00022 and 0.00005.
gnomAD v4.1: 83 of 1,613,730 alleles (0.0051%); highest among the groups gnomAD compares: Admixed American, 0.13%; no homozygotes.

Submissions (3):

Labcorp Genetics (formerly Invitae), Labcorp
Classification: Likely benign. Last evaluated: 2026-01-26. Review status: criteria provided, single submitter. Criteria: Invitae Variant Classification Sherloc (09022015). Collection method: clinical testing. Allele origin: germline.

Ambry Genetics
Classification: Uncertain significance for Inborn genetic diseases. Last evaluated: 2022-10-26. Review status: criteria provided, single submitter. Criteria: Ambry Variant Classification Scheme 2023. Collection method: clinical testing. Allele origin: germline.

PreventionGenetics, part of Exact Sciences
Classification: Likely benign for XYLT2-related condition. Last evaluated: 2022-05-27. Review status: no assertion criteria provided. Collection method: clinical testing. Allele origin: germline. Not counted in ClinVar's aggregate classification.
Comment: This variant is classified as likely benign based on ACMG/AMP sequence variant interpretation guidelines (Richards et al. 2015 PMID: 25741868, with internal and published modifications).

NM_022167.4(XYLT2):c.2048A>G (p.Asn683Ser)

Gene: XYLT2 (xylosyltransferase 2; plus strand). Cytogenetic location: 17q21.33.
Variant type: single nucleotide variant.
Coding change: c.2048A>G on transcript NM_022167.4 (MANE Select); coding-DNA position 2048, A replaced by G.
Protein change: p.Asn683Ser; replaces asparagine 683 with serine.
Molecular consequence: missense variant.
Genome position (GRCh38, 1-based): chr17:50,358,313, A>G. VCF-style: chr17-50358313-A-G. GRCh37 (hg19) VCF-style: chr17-48435674-A-G.
Other names: short protein forms N683S.
Identifiers: ClinVar variation 732615 (VCV000732615.11), dbSNP rs201333400, ClinGen allele CA8646649.